The following is an entry in ClinVar:

ClinVar aggregate classification (germline): Benign. Review status: reviewed by expert panel (3 of 4 stars). 6 submissions from 6 submitters: Benign (1). 5 of the submissions do not count toward it. Last evaluated 2020-05-13.

Conditions:
Hereditary thrombocytopenia and hematologic cancer predisposition syndrome. Identifiers: Orphanet 71290, MedGen CN281654, MONDO:0011071.
Hereditary thrombocytopenia and hematological cancer predisposition syndrome associated with RUNX1. Also called: Familial Platelet Disorder with Propensity to Acute Myelogenous Leukemia; Familial thrombocytopenia with propensity to acute myelogenous leukemia; PLATELET DISORDER, ASPIRIN-LIKE; RUNX1 Familial Platelet Disorder with Associated Myeloid Malignancies. Identifiers: Orphanet 71290, MedGen C1832388, MeSH C563324, MONDO:0100083, OMIM 601399.

Allele frequency attached by ClinVar (database versions not stated): 1000 Genomes Project 30x 0.35290; TOPMed 0.35518; gnomAD 0.36204 and 0.36657; 1000 Genomes Project 0.37061; gnomAD exomes 0.42769 and 0.48513; ExAC 0.60031.
gnomAD v4.1: 560,371 of 1,333,396 alleles (42%); highest among the groups gnomAD compares: South Asian, 45%; 119,963 homozygotes.

Submissions (6):

ClinGen Myeloid Malignancy Variant Curation Expert Panel
Classification: Benign for Hereditary thrombocytopenia and hematologic cancer predisposition syndrome. Last evaluated: 2020-05-13. Review status: reviewed by expert panel. Criteria: ClinGen MyeloMalig ACMG Specifications v1. Collection method: curation. Allele origin: germline. Inheritance: Autosomal dominant inheritance.
Comment: The NM_001754.4:c.*27C>A variant in the 3' UTR has an MAF of 0.4444 (44%, 1352/3042 alleles) in the South Asian subpopulation of the gnomAD v3 cohort and is >= 0.0015 (0.15%) (BA1). This variant is detected in a homozygous state in 301 individuals in the gnomAD v3 population database (BP2). In summary, this variant meets criteria to be classified as benign. ACMG/AMP criteria applied, as specified by the Myeloid Malignancy Variant Curation Expert Panel for RUNX1: BA1, BP2.

Genome-Nilou Lab
Classification: Benign for Hereditary thrombocytopenia and hematological cancer predisposition syndrome associated with RUNX1. Last evaluated: 2021-11-07. Review status: criteria provided, single submitter. Criteria: ACMG Guidelines, 2015. Collection method: clinical testing. Allele origin: germline. Affected: no. Not counted in ClinVar's aggregate classification.

GeneDx
Classification: Benign. Last evaluated: 2018-06-23. Review status: criteria provided, single submitter. Criteria: GeneDx Variant Classification Process June 2021. Collection method: clinical testing. Allele origin: germline. Affected: yes. Not counted in ClinVar's aggregate classification.

Illumina Laboratory Services, Illumina
Classification: Benign for Hereditary thrombocytopenia and hematological cancer predisposition syndrome associated with RUNX1. Last evaluated: 2018-01-13. Review status: criteria provided, single submitter. Criteria: ICSL Variant Classification Criteria 13 December 2019. Collection method: clinical testing. Allele origin: germline. Not counted in ClinVar's aggregate classification.
Comment: This variant was observed in the ICSL laboratory as part of a predisposition screen in an ostensibly healthy population. It had not been previously curated by ICSL or reported in the Human Gene Mutation Database (HGMD: prior to June 1st, 2018), and was therefore a candidate for classification through an automated scoring system. Utilizing variant allele frequency, disease prevalence and penetrance estimates, and inheritance mode, an automated score was calculated to assess if this variant is too frequent to cause the disease. Based on the score and internal cut-off values, a variant classified as benign is not then subjected to further curation. The score for this variant resulted in a classification of benign for this disease.

PreventionGenetics, part of Exact Sciences
Classification: Benign. Last evaluated: 2014-01-03. Review status: criteria provided, single submitter. Criteria: ACMG Guidelines, 2015. Collection method: clinical testing. Allele origin: germline. Not counted in ClinVar's aggregate classification.

Breakthrough Genomics
Classification: Benign. Review status: criteria provided, single submitter. Criteria: ACMG Guidelines, 2015. Collection method: not provided. Allele origin: germline. Inheritance: Autosomal dominant inheritance. Affected: yes. Not counted in ClinVar's aggregate classification.

NM_001754.5(RUNX1):c.*27C>A

Gene: RUNX1 (RUNX family transcription factor 1; minus strand). Cytogenetic location: 21q22.12.
Variant type: single nucleotide variant.
Coding change: c.*27C>A on transcript NM_001754.5 (MANE Select); 27 bases downstream of the stop codon, C replaced by A.
Molecular consequence: 3 prime UTR variant.
Genome position (GRCh38, 1-based): chr21:34,792,108, G>T on the plus strand (C>A on the coding strand, the complement: RUNX1 is on the minus strand). VCF-style: chr21-34792108-G-T. GRCh37 (hg19) VCF-style: chr21-36164405-G-T.
Other names: c.*27C>A (NM_001001890.3, NM_001754.4).
Identifiers: ClinVar variation 258180 (VCV000258180.11), dbSNP rs13051066, ClinGen allele CA10014168.
Genomic context (GRCh38, chr21:34,792,108, plus strand): 5'-CCGGCGGGCTTGTCGCGAACAGGAGGCCCGCGCGCCCGGAGGCGAAGGCGGCGGCCCGCG[G>T]GGCCCAGCCGGGCCAGGCCTGGCGCCTCAGTAGGGCCTCCACACGGCCTCCTCCAGGCGC-3'